The following is an entry in ClinVar:

NM_000257.4(MYH7):c.4985G>T (p.Arg1662Leu)

Genes: MHRT (myosin heavy chain associated RNA transcript; plus strand), MYH7 (myosin heavy chain 7; minus strand), LOC126861897 (BRD4-independent group 4 enhancer GRCh37_chr14:23884455-23885654; plus strand). Cytogenetic location: 14q11.2.
Variant type: single nucleotide variant.
Coding change: c.4985G>T on transcript NM_000257.4 (MANE Select); coding-DNA position 4985, G replaced by T.
Protein change: p.Arg1662Leu; replaces arginine 1662 with leucine.
Molecular consequence: missense variant. On other transcripts: non-coding transcript variant (1).
Genome position (GRCh38, 1-based): chr14:23,415,801, C>A on the plus strand (G>T on the coding strand, the complement: MYH7 is on the minus strand). VCF-style: chr14-23415801-C-A. GRCh37 (hg19) VCF-style: chr14-23885010-C-A.
Other names: c.4985G>T (NM_000257.2); short protein forms R1662L.
Identifiers: ClinVar variation 407198 (VCV000407198.16), dbSNP rs370328209, ClinGen allele CA16614388.

ClinVar aggregate classification (germline): Uncertain significance. Review status: criteria provided, multiple submitters, no conflicts (2 of 4 stars). 6 submissions from 6 submitters: Uncertain significance (6). Last evaluated 2025-07-15.

Conditions:
Cardiovascular phenotype. Identifiers: MedGen CN230736.
Cardiomyopathy (CMYO). Also called: Cardiomyopathies. Identifiers: Orphanet 167848, MedGen C0878544, MONDO:0004994, HP:0001638. Inheritance: Various modes of inheritance.
Hypertrophic cardiomyopathy. Also called: HYPERTROPHIC MYOCARDIOPATHY. Identifiers: Orphanet 217569, MedGen C0007194, MeSH D002312, MONDO:0005045, HP:0001639.

Allele frequency attached by ClinVar (database versions not stated): TOPMed 0.00001.
gnomAD v4.1: 10 of 1,614,092 alleles (0.00062%); highest among the groups gnomAD compares: African/African-American, 0.012%; no homozygotes.

Submissions (6):

Color Diagnostics, LLC DBA Color Health
Classification: Uncertain significance for Cardiomyopathy. Last evaluated: 2025-07-15. Review status: criteria provided, single submitter. Criteria: ACMG Guidelines, 2015. Collection method: clinical testing. Allele origin: germline.
Comment: This missense variant replaces arginine with leucine at codon 1662 of the MYH7 protein. Computational prediction suggests that this variant may not impact protein structure and function. To our knowledge, functional studies have not been reported for this variant. This variant has not been reported in individuals affected with MYH7-related disorders in the literature. This variant has been identified in 3/282816 chromosomes in the general population by the Genome Aggregation Database (gnomAD). The available evidence is insufficient to determine the role of this variant in disease conclusively. Therefore, this variant is classified as a Variant of Uncertain Significance.

Ambry Genetics
Classification: Uncertain significance for Cardiovascular phenotype. Last evaluated: 2024-12-12. Review status: criteria provided, single submitter. Criteria: Ambry Variant Classification Scheme 2023. Collection method: clinical testing. Allele origin: germline.
Comment: The p.R1662L variant (also known as c.4985G>T), located in coding exon 33 of the MYH7 gene, results from a G to T substitution at nucleotide position 4985. The arginine at codon 1662 is replaced by leucine, an amino acid with dissimilar properties. This alteration has been reported in a whole exome sequencing (WES) cohort with limited clinical details (Homburger JR et al. Proc Natl Acad Sci U S A, 2016 06;113:6701-6). Additionally, this alteration was detected in a genome-wide association study (GWAS) for genetic susceptibility of hypertrophic cardiomyopathy (HCM) (Harper AR et al. Nat Genet, 2021 02;53:135-142). This variant has also been reported in association with HCM (Koutsofti C et al. Genes (Basel), 2024 Feb;15:). This amino acid position is well conserved in available vertebrate species. In addition, the in silico prediction for this alteration is inconclusive. Since supporting evidence is limited at this time, the clinical significance of this alteration remains unclear.

Labcorp Genetics (formerly Invitae), Labcorp
Classification: Uncertain significance for Hypertrophic cardiomyopathy. Last evaluated: 2024-10-25. Review status: criteria provided, single submitter. Criteria: Invitae Variant Classification Sherloc (09022015). Collection method: clinical testing. Allele origin: germline.
Comment: This sequence change replaces arginine, which is basic and polar, with leucine, which is neutral and non-polar, at codon 1662 of the MYH7 protein (p.Arg1662Leu). This variant is present in population databases (no rsID available, gnomAD 0.01%). This variant has not been reported in the literature in individuals affected with MYH7-related conditions. ClinVar contains an entry for this variant (Variation ID: 407198). Invitae Evidence Modeling of protein sequence and biophysical properties (such as structural, functional, and spatial information, amino acid conservation, physicochemical variation, residue mobility, and thermodynamic stability) indicates that this missense variant is expected to disrupt MYH7 protein function with a positive predictive value of 95%. In summary, the available evidence is currently insufficient to determine the role of this variant in disease. Therefore, it has been classified as a Variant of Uncertain Significance.

GeneDx
Classification: Uncertain significance. Last evaluated: 2024-09-26. Review status: criteria provided, single submitter. Criteria: GeneDx Variant Classification Process June 2021. Collection method: clinical testing. Allele origin: germline. Affected: yes.
Comment: Identified in association with HCM in published literature (PMID: 33495597); Not observed at significant frequency in large population cohorts (gnomAD); In silico analysis supports that this missense variant has a deleterious effect on protein structure/function; This variant is associated with the following publications: (PMID: 33495597, 27247418)

All of Us Research Program, National Institutes of Health
Classification: Uncertain significance for Cardiomyopathy. Last evaluated: 2023-12-01. Review status: criteria provided, single submitter. Criteria: ACMG Guidelines, 2015. Collection method: clinical testing. Allele origin: germline. Inheritance: Autosomal dominant inheritance. Observed: 1 variant allele, 1 heterozygote.
Comment: This study involves interpretation of variants in research participants for the purpose of population health screening. Participant phenotype was not available at the time of variant classification. Additional details can be found in publication PMID: 35346344, PMCID: PMC8962531

CHEO Genetics Diagnostic Laboratory, Children's Hospital of Eastern Ontario
Classification: Uncertain significance for Cardiomyopathy. Last evaluated: 2022-07-25. Review status: criteria provided, single submitter. Criteria: ACMG Guidelines, 2015. Collection method: clinical testing. Allele origin: germline.

Literature cited by the submitters: PubMed 27247418 (cited by Ambry Genetics); PubMed 33495597 (cited by Ambry Genetics); PubMed 38540378 (cited by Ambry Genetics).